The following is an entry in ClinVar:

ClinVar aggregate classification (germline): Likely benign. Review status: criteria provided, multiple submitters, no conflicts (2 of 4 stars). 8 submissions from 7 submitters: Likely benign (7). 1 of the submissions does not count toward it. Last evaluated 2026-05-12.

Conditions:
NF1-related disorder. Also called: NF1-related condition. Identifiers: MedGen CN379171.
Cardiovascular phenotype. Identifiers: MedGen CN230736.
Hereditary cancer-predisposing syndrome. Also called: Hereditary neoplastic syndrome; Neoplastic Syndromes, Hereditary; Hereditary Cancer Syndrome; Tumor predisposition. Identifiers: Orphanet 140162, MedGen C0027672, MeSH D009386, MONDO:0015356.
Neurofibromatosis, type 1 (NF1). Also called: NEUROFIBROMATOSIS, TYPE I, SOMATIC; Neurofibromatosis, type I; VON RECKLINGHAUSEN DISEASE; Peripheral type neurofibromatosis. Identifiers: Orphanet 636, MedGen C0027831, MONDO:0018975, OMIM 162200. Disease mechanism: loss of function.

Allele frequency attached by ClinVar (database versions not stated): TOPMed 0.00001; gnomAD 0.00004 and 0.00003; ExAC 0.00001.
gnomAD v4.1: 51 of 1,586,554 alleles (0.0032%); highest among the groups gnomAD compares: Non-Finnish European, 0.004%; no homozygotes.

Submissions (8):

Myriad Genetics, Inc.
Classification: Likely benign for Neurofibromatosis, type 1. Last evaluated: 2026-05-12. Review status: criteria provided, single submitter. Criteria: Myriad Autosomal Dominant, Autosomal Recessive and X-Linked Classification Criteria (2023). Collection method: clinical testing. Allele origin: unknown.
Comment: This variant is considered likely benign. This variant is intronic and is not expected to impact mRNA splicing.

Labcorp Genetics (formerly Invitae), Labcorp
Classification: Likely benign for Neurofibromatosis, type 1. Last evaluated: 2026-01-30. Review status: criteria provided, single submitter. Criteria: Invitae Variant Classification Sherloc (09022015). Collection method: clinical testing. Allele origin: germline.

Mayo Clinic Laboratories, Mayo Clinic
Classification: Likely benign. Last evaluated: 2025-01-17. Review status: criteria provided, single submitter. Criteria: ACMG Guidelines, 2015. Collection method: clinical testing. Allele origin: germline. Observed: 1 variant allele.
Comment: BP4, BP7

Genome-Nilou Lab
Classification: Likely benign for Neurofibromatosis, type 1. Last evaluated: 2022-03-15. Review status: criteria provided, single submitter. Criteria: ACMG Guidelines, 2015. Collection method: clinical testing. Allele origin: germline. Affected: no.

GeneDx
Classification: Likely benign. Last evaluated: 2020-09-15. Review status: criteria provided, single submitter. Criteria: GeneDx Variant Classification Process June 2021. Collection method: clinical testing. Allele origin: germline. Affected: yes.

Ambry Genetics
Classification: Likely benign for Cardiovascular phenotype; Hereditary cancer-predisposing syndrome. Last evaluated: 2020-01-10. Review status: criteria provided, single submitter. Criteria: Ambry Variant Classification Scheme 2023. Collection method: clinical testing. Allele origin: germline.

Ambry Genetics
Classification: Likely benign for Hereditary cancer-predisposing syndrome. Last evaluated: 2016-02-15. Review status: criteria provided, single submitter. Criteria: Ambry Autosomal Dominant and X-Linked criteria (10/2015). Collection method: clinical testing. Allele origin: germline. Observed: 1 variant allele.
Comment: In silico models in agreement (benign);Insufficient or conflicting evidence

PreventionGenetics, part of Exact Sciences
Classification: Likely benign for NF1-related condition. Last evaluated: 2019-08-13. Review status: no assertion criteria provided. Collection method: clinical testing. Allele origin: germline. Not counted in ClinVar's aggregate classification.
Comment: This variant is classified as likely benign based on ACMG/AMP sequence variant interpretation guidelines (Richards et al. 2015 PMID: 25741868, with internal and published modifications).

NM_001042492.3(NF1):c.3114-4A>G

Gene: NF1 (neurofibromin 1; plus strand). Cytogenetic location: 17q11.2.
Variant type: single nucleotide variant.
Coding change: c.3114-4A>G on transcript NM_001042492.3 (MANE Select); 4 bases into the intron before coding-DNA position 3114, A replaced by G.
Molecular consequence: intron variant.
Genome position (GRCh38, 1-based): chr17:31,230,838, A>G. VCF-style: chr17-31230838-A-G. GRCh37 (hg19) VCF-style: chr17-29557856-A-G.
Other names: p.?; c.3114-4A>G (NM_000267.4).
Identifiers: ClinVar variation 232916 (VCV000232916.21), dbSNP rs201550230, ClinGen allele CA8486097.